The following is an entry in ClinVar:

ClinVar aggregate classification (germline): Pathogenic. Review status: criteria provided, multiple submitters, no conflicts (2 of 4 stars). 3 submissions from 3 submitters: Pathogenic (3). Last evaluated 2025-09-03.

Conditions:
Hereditary cancer-predisposing syndrome. Also called: Neoplastic Syndromes, Hereditary; Tumor predisposition; Hereditary neoplastic syndrome; Hereditary Cancer Syndrome. Identifiers: Orphanet 140162, MedGen C0027672, MeSH D009386, MONDO:0015356.
Hereditary diffuse gastric adenocarcinoma (HDGC). Also called: DIFFUSE GASTRIC AND LOBULAR BREAST CANCER SYNDROME. Identifiers: Orphanet 26106, MedGen C1708349, MONDO:0007648, OMIM 137215.

Submissions (3):

Labcorp Genetics (formerly Invitae), Labcorp
Classification: Pathogenic for Hereditary diffuse gastric adenocarcinoma. Last evaluated: 2025-09-03. Review status: criteria provided, single submitter. Criteria: Invitae Variant Classification Sherloc (09022015). Collection method: clinical testing. Allele origin: germline.
Comment: This sequence change creates a premature translational stop signal (p.Glu210*) in the CDH1 gene. It is expected to result in an absent or disrupted protein product. Loss-of-function variants in CDH1 are known to be pathogenic (PMID: 15235021, 20373070). This variant is not present in population databases (gnomAD no frequency). This variant has not been reported in the literature in individuals affected with CDH1-related conditions. ClinVar contains an entry for this variant (Variation ID: 1752660). For these reasons, this variant has been classified as Pathogenic.

Myriad Genetics, Inc.
Classification: Pathogenic for Hereditary diffuse gastric adenocarcinoma. Last evaluated: 2023-06-09. Review status: criteria provided, single submitter. Criteria: Myriad Autosomal Dominant, Autosomal Recessive and X-Linked Classification Criteria (2023). Collection method: clinical testing. Allele origin: unknown.
Comment: This variant is considered pathogenic. This variant creates a termination codon and is predicted to result in premature protein truncation.

Ambry Genetics
Classification: Pathogenic for Hereditary cancer-predisposing syndrome. Last evaluated: 2022-05-13. Review status: criteria provided, single submitter. Criteria: Ambry Variant Classification Scheme 2023. Collection method: clinical testing. Allele origin: germline.
Comment: The p.E210* pathogenic mutation (also known as c.628G>T), located in coding exon 5 of the CDH1 gene, results from a G to T substitution at nucleotide position 628. This changes the amino acid from a glutamic acid to a stop codon within coding exon 5. This variant is considered to be rare based on population cohorts in the Genome Aggregation Database (gnomAD). This alteration is expected to result in loss of function by premature protein truncation or nonsense-mediated mRNA decay. As such, this alteration is interpreted as a disease-causing mutation.

Literature cited by the submitters: PubMed 15235021 (cited by Labcorp Genetics (formerly Invitae), Labcorp); PubMed 20373070 (cited by Labcorp Genetics (formerly Invitae), Labcorp).

NM_004360.5(CDH1):c.628G>T (p.Glu210Ter)

Gene: CDH1 (cadherin 1; plus strand). Cytogenetic location: 16q22.1.
Variant type: single nucleotide variant.
Coding change: c.628G>T on transcript NM_004360.5 (MANE Select); coding-DNA position 628, G replaced by T.
Protein change: p.Glu210Ter; replaces glutamic acid 210 with a stop codon.
Molecular consequence: nonsense. On other transcripts: 5 prime UTR variant (2).
Genome position (GRCh38, 1-based): chr16:68,808,789, G>T. VCF-style: chr16-68808789-G-T. GRCh37 (hg19) VCF-style: chr16-68842692-G-T.
Other names: c.628G>T, p.Glu210Ter (NM_001317184.2); c.-988G>T (NM_001317185.2); c.-1192G>T (NM_001317186.2); short protein forms E210*.
Identifiers: ClinVar variation 1752660 (VCV001752660.5), dbSNP rs2152130206, ClinGen allele CA396458043.